The following is an entry in ClinVar:

NM_021871.4(FGA):c.1754del (p.Ser585fs)

Gene: FGA (fibrinogen alpha chain; minus strand). Cytogenetic location: 4q31.3.
Variant type: Deletion.
Coding change: c.1754del on transcript NM_021871.4 (MANE Select); coding-DNA position 1754, one base deleted (G; older notation c.1754delG).
Protein change: p.Ser585fs; shifts the reading frame from serine 585.
Molecular consequence: frameshift variant.
Genome position (GRCh38, 1-based): chr4:154,585,675, C deleted on the plus strand (G on the coding strand, the reverse complement: FGA is on the minus strand). VCF-style (leftmost placement, unchanged base first): chr4-154585674-AC-A. GRCh37 (hg19) VCF-style: chr4-155506826-AC-A.
Other names: c.1754del, p.Ser585fs (NM_000508.5); short protein forms S585fs.
Identifiers: ClinVar variation 2572139 (VCV002572139.1), dbSNP rs2530819182, ClinGen allele CA2578217773.

ClinVar aggregate classification (germline): Likely pathogenic (1 of 4 stars; one submission).

Conditions:
Familial dysfibrinogenemia. Also called: Dysfibrinogenemia, congenital. Identifiers: Orphanet 335, Orphanet 98881, MedGen C0272350, MONDO:0014452, OMIM 616004.

Allele frequency attached by ClinVar (database versions not stated): gnomAD exomes below 0.00001.

Submission:

ISTH-SSC Genomics in Thrombosis and Hemostasis, KU Leuven, Center for Molecular and Vascular Biology
Classification: Likely pathogenic for Familial dysfibrinogenemia. Review status: criteria provided, single submitter. Criteria: ACMG Guidelines, 2015. Collection method: clinical testing. Allele origin: germline. Affected: yes. Observed: 1 heterozygote.
Comment: Submitted to the GoldVariant database by Kathleen Freson, Center for Molecular and Vascular Biology